The following is an entry in ClinVar:

NM_018671.5(UNC45A):c.156G>C (p.Ala52=)

Gene: UNC45A (unc-45 myosin chaperone A; plus strand). Cytogenetic location: 15q26.1.
Variant type: single nucleotide variant.
Coding change: c.156G>C on transcript NM_018671.5 (MANE Select); coding-DNA position 156, G replaced by C.
Protein change: p.Ala52=; no amino-acid change (alanine 52 retained).
Molecular consequence: synonymous variant. On other transcripts: 5 prime UTR variant (1).
Genome position (GRCh38, 1-based): chr15:90,935,648, G>C. VCF-style: chr15-90935648-G-C. GRCh37 (hg19) VCF-style: chr15-91478878-G-C.
Other names: c.111G>C, p.Ala37= (NM_001039675.2, NM_001323621.2); c.156G>C, p.Ala52= (NM_001323619.1); c.-428G>C (NM_001323620.2).
Identifiers: ClinVar variation 1529400 (VCV001529400.9), dbSNP rs773576482, ClinGen allele CA7742436.

ClinVar aggregate classification (germline): Likely benign. Review status: criteria provided, multiple submitters, no conflicts (2 of 4 stars). 2 submissions from 2 submitters: Likely benign (2). Last evaluated 2026-07-28.

Conditions:
UNC45A-related disorder. Also called: UNC45A-related condition.

Allele frequency attached by ClinVar (database versions not stated): TOPMed 0.00001; gnomAD 0.00003; gnomAD exomes 0.00007; ExAC 0.00008.
gnomAD v4.1: 20 of 1,607,798 alleles (0.0012%); highest among the groups gnomAD compares: Admixed American, 0.034%; 1 homozygote.

Submissions (2):

PreventionGenetics, part of Exact Sciences
Classification: Likely benign for UNC45A-related condition. Last evaluated: 2026-07-28. Review status: criteria provided, single submitter. Criteria: ACMG Guidelines, 2015. Collection method: clinical testing. Allele origin: germline.
Comment: This variant is classified as likely benign based on ACMG/AMP sequence variant interpretation guidelines (Richards et al. 2015 PMID: 25741868, with internal and published modifications).

Labcorp Genetics (formerly Invitae), Labcorp
Classification: Likely benign. Last evaluated: 2023-10-05. Review status: criteria provided, single submitter. Criteria: Invitae Variant Classification Sherloc (09022015). Collection method: clinical testing. Allele origin: germline.